The following is an entry in ClinVar:

NM_025114.4(CEP290):c.3829_3830delinsCT (p.Ala1277Leu)

Gene: CEP290 (centrosomal protein 290; minus strand). Cytogenetic location: 12q21.32.
Variant type: Indel.
Coding change: c.3829_3830delinsCT on transcript NM_025114.4 (MANE Select); coding-DNA positions 3829 to 3830, GC replaced by CT.
Protein change: p.Ala1277Leu; replaces alanine 1277 with leucine.
Molecular consequence: missense variant.
Genome position (GRCh38, 1-based): chr12:88,089,231-88,089,232, GC replaced by AG on the plus strand (GC replaced by CT on the coding strand, the reverse complement: CEP290 is on the minus strand). VCF-style: chr12-88089231-GC-AG. GRCh37 (hg19) VCF-style: chr12-88483008-GC-AG.
Other names: short protein forms A1277L.
Identifiers: ClinVar variation 591192 (VCV000591192.7), dbSNP rs1565845877, ClinGen allele CA891862950.
Genomic context (GRCh38, chr12:88,089,231, plus strand): 5'-TTGTCATTTTGTAGTTGAATCATTGTTTTGGAGAACTTTTCCTGTTGTGCCAAGGGTAAA[GC>AG]TCCACTAAACTGTCGTCGTAGAGACTGAATTGTTTGGCGCAGATGTTTTGCTCTGTTTCT-3'
Protein context (NP_079390.3, residues 1267-1287): IQSLRRQFSG[Ala1277Leu]LPLAQQEKFS

ClinVar aggregate classification (germline): Uncertain significance. Review status: criteria provided, multiple submitters, no conflicts (2 of 4 stars). 3 submissions from 3 submitters: Uncertain significance (2). 1 of the submissions does not count toward it. Last evaluated 2024-06-03.

Conditions:
Joubert syndrome 5 (JBTS5). Identifiers: Orphanet 2318, MedGen C1857780, MONDO:0012432, OMIM 610188.
Bardet-Biedl syndrome 14 (BBS14). Identifiers: Orphanet 110, MedGen C2673874, MONDO:0014442, OMIM 615991.
Leber congenital amaurosis 10 (LCA10). Identifiers: Orphanet 65, MedGen C1857821, MONDO:0012723, OMIM 611755.
Meckel syndrome, type 4 (MKS4). Also called: MECKEL-GRUBER SYNDROME, TYPE 4. Identifiers: Orphanet 564, MedGen C1970161, MONDO:0012626, OMIM 611134.
Senior-Loken syndrome 6 (SLSN6). Identifiers: Orphanet 3156, MedGen C1857779, MONDO:0012433, OMIM 610189.
Meckel-Gruber syndrome. Also called: Dysencephalia splachnocystica; DYSENCEPHALIA SPLANCHNOCYSTICA; GRUBER SYNDROME. Identifiers: Orphanet 564, MedGen C0265215, MONDO:0018921.
Nephronophthisis. Also called: Juvenile Nephronophthisis. Identifiers: Orphanet 655, MedGen C0687120, MONDO:0019005, HP:0000090.
Joubert syndrome. Also called: Familial aplasia of the vermis; CEREBELLOPARENCHYMAL DISORDER IV; JOUBERT-BOLTSHAUSER SYNDROME. Identifiers: Orphanet 475, MedGen C5979921, MONDO:0018772.

Submissions (3):

Labcorp Genetics (formerly Invitae), Labcorp
Classification: Uncertain significance for Joubert syndrome; Meckel-Gruber syndrome; Nephronophthisis. Last evaluated: 2024-06-03. Review status: criteria provided, single submitter. Criteria: Invitae Variant Classification Sherloc (09022015). Collection method: clinical testing. Allele origin: germline.
Comment: This sequence change replaces alanine, which is neutral and non-polar, with leucine, which is neutral and non-polar, at codon 1277 of the CEP290 protein (p.Ala1277Leu). This variant is present in population databases (no rsID available, gnomAD 0.002%). This variant has not been reported in the literature in individuals affected with CEP290-related conditions. ClinVar contains an entry for this variant (Variation ID: 591192). An algorithm developed to predict the effect of missense changes on protein structure and function (PolyPhen-2) suggests that this variant is likely to be disruptive. In summary, the available evidence is currently insufficient to determine the role of this variant in disease. Therefore, it has been classified as a Variant of Uncertain Significance.

Fulgent Genetics
Classification: Uncertain significance for Joubert syndrome 5; Senior-Loken syndrome 6; Meckel syndrome, type 4; Leber congenital amaurosis 10; Bardet-Biedl syndrome 14. Last evaluated: 2022-02-09. Review status: criteria provided, single submitter. Criteria: ACMG Guidelines, 2015. Collection method: clinical testing. Allele origin: unknown.

Gharavi Laboratory, Columbia University
Classification: Uncertain significance. Last evaluated: 2018-09-16. Review status: no assertion criteria provided. Criteria: ACMG Guidelines, 2015. Collection method: research. Allele origin: germline. Affected: yes. Not counted in ClinVar's aggregate classification.